The following is an entry in ClinVar:

NM_017617.5(NOTCH1):c.2321G>A (p.Gly774Asp)

Gene: NOTCH1 (notch receptor 1; minus strand). Cytogenetic location: 9q34.3.
Variant type: single nucleotide variant.
Coding change: c.2321G>A on transcript NM_017617.5 (MANE Select); coding-DNA position 2321, G replaced by A.
Protein change: p.Gly774Asp; replaces glycine 774 with aspartic acid.
Molecular consequence: missense variant.
Genome position (GRCh38, 1-based): chr9:136,513,424, C>T on the plus strand (G>A on the coding strand, the complement: NOTCH1 is on the minus strand). VCF-style: chr9-136513424-C-T. GRCh37 (hg19) VCF-style: chr9-139407876-C-T.
Other names: short protein forms G774D.
Identifiers: ClinVar variation 3573882 (VCV003573882.1).

ClinVar aggregate classification (germline): Uncertain significance (1 of 4 stars; one submission).

gnomAD v4.1: 4 of 1,612,902 alleles (0.00025%); highest among the groups gnomAD compares: Non-Finnish European, 0.00025%; no homozygotes.

Submission:

GeneDx
Classification: Uncertain significance. Last evaluated: 2024-07-18. Review status: criteria provided, single submitter. Criteria: GeneDx Variant Classification Process June 2021. Collection method: clinical testing. Allele origin: germline. Affected: yes.
Comment: Not observed at significant frequency in large population cohorts (gnomAD); In silico analysis supports that this missense variant has a deleterious effect on protein structure/function; Has not been previously published as pathogenic or benign to our knowledge